The following is an entry in ClinVar:

ClinVar aggregate classification (germline): Benign/Likely benign. Review status: criteria provided, multiple submitters, no conflicts (2 of 4 stars). 3 submissions from 3 submitters: Benign (1); Likely benign (2). Last evaluated 2026-07-28.

Conditions:
Hereditary leiomyomatosis and renal cell cancer. Also called: Reed syndrome; Multiple cutaneous and uterine leiomyomatosis; Cutaneous leiomyomata with uterine leiomyomata; Leiomyoma, hereditary multiple, of skin; Multiple cutaneous and uterine leiomyomata; MULTIPLE CUTANEOUS AND UTERINE LEIOMYOMATA 1, WITH OR WITHOUT RENAL CELL CARCINOMA. Identifiers: Orphanet 523, MedGen C1708350, MONDO:0007888, OMIM 150800, HP:0007437. Disease mechanism: loss of function.
Hereditary cancer-predisposing syndrome. Also called: Hereditary Cancer Syndrome; Hereditary neoplastic syndrome; Neoplastic Syndromes, Hereditary; Tumor predisposition. Identifiers: Orphanet 140162, MedGen C0027672, MeSH D009386, MONDO:0015356.

Allele frequency attached by ClinVar (database versions not stated): TOPMed 0.00001; gnomAD 0.00001; ExAC 0.00001.

Submissions (3):

Ambry Genetics
Classification: Likely benign for Hereditary cancer-predisposing syndrome. Last evaluated: 2026-07-28. Review status: criteria provided, single submitter. Criteria: Ambry Variant Classification Scheme 2023. Collection method: clinical testing. Allele origin: germline.

Myriad Genetics, Inc.
Classification: Benign for Hereditary leiomyomatosis and renal cell cancer. Last evaluated: 2024-10-18. Review status: criteria provided, single submitter. Criteria: Myriad Autosomal Dominant, Autosomal Recessive and X-Linked Classification Criteria (2023). Collection method: clinical testing. Allele origin: unknown.
Comment: This variant is considered benign. This variant is a silent/synonymous amino acid change and it is not expected to impact splicing.

Labcorp Genetics (formerly Invitae), Labcorp
Classification: Likely benign. Last evaluated: 2023-09-26. Review status: criteria provided, single submitter. Criteria: Invitae Variant Classification Sherloc (09022015). Collection method: clinical testing. Allele origin: germline.

NM_000143.4(FH):c.861T>A (p.Ile287=)

Gene: FH (fumarate hydratase; minus strand). Cytogenetic location: 1q43.
Variant type: single nucleotide variant.
Coding change: c.861T>A on transcript NM_000143.4 (MANE Select); coding-DNA position 861, T replaced by A.
Protein change: p.Ile287=; no amino-acid change (isoleucine 287 retained).
Molecular consequence: synonymous variant.
Genome position (GRCh38, 1-based): chr1:241,506,046, A>T on the plus strand (T>A on the coding strand, the complement: FH is on the minus strand). VCF-style: chr1-241506046-A-T. GRCh37 (hg19) VCF-style: chr1-241669346-A-T.
Identifiers: ClinVar variation 2737733 (VCV002737733.5), dbSNP rs774598788, ClinGen allele CA1478599.